The following is an entry in ClinVar:

NM_175914.5(HNF4A):c.*3013A>G

Gene: HNF4A (hepatocyte nuclear factor 4 alpha; plus strand). Cytogenetic location: 20q13.12.
Variant type: single nucleotide variant.
Coding change: c.*3013A>G on transcript NM_175914.5 (MANE Select); 3013 bases downstream of the stop codon, A replaced by G.
Molecular consequence: 3 prime UTR variant.
Genome position (GRCh38, 1-based): chr20:44,432,678, A>G. VCF-style: chr20-44432678-A-G. GRCh37 (hg19) VCF-style: chr20-43061318-A-G.
Other names: c.*3013A>G (NM_000457.6, NM_001030003.3, NM_001258355.2 and 3 more transcripts).
Identifiers: ClinVar variation 338490 (VCV000338490.6), dbSNP rs773868595, ClinGen allele CA10653139.

ClinVar aggregate classification (germline): Conflicting classifications of pathogenicity. Review status: criteria provided, conflicting classifications (1 of 4 stars). 3 submissions from 2 submitters: Uncertain significance (2); Benign (1). Last evaluated 2018-01-12.

Conditions:
Familial hyperinsulinism. Also called: Congenital hyperinsulinism. Identifiers: Orphanet 276525, MedGen C3888018, MONDO:0017182. Disease mechanism: loss of function.
Maturity-onset diabetes of the young type 1. Also called: MILD JUVENILE DIABETES MELLITUS; MODY, type I; MODY type 1; Diabetes mellitus MODY type 1; MODY HNF4A related; HNF4A-Related Maturity-Onset Diabetes of the Young Type 1. Identifiers: Orphanet 552, MedGen C1852093, MONDO:0007452, OMIM 125850. Disease mechanism: loss of function.
Maturity-onset diabetes of the young (MODY). Also called: Maturity onset diabetes mellitus in young. Identifiers: Orphanet 552, MedGen C0342276, MONDO:0018911, HP:0004904.

Allele frequency attached by ClinVar (database versions not stated): TOPMed 0.00014; gnomAD 0.00019 and 0.00020; 1000 Genomes Project 30x 0.00031.

Submissions (3):

Illumina Laboratory Services, Illumina
Classification: Uncertain significance for Familial hyperinsulinism. Last evaluated: 2018-01-12. Review status: criteria provided, single submitter. Criteria: ICSL Variant Classification Criteria 13 December 2019. Collection method: clinical testing. Allele origin: germline.

Illumina Laboratory Services, Illumina
Classification: Uncertain significance for Maturity-onset diabetes of the young type 1. Last evaluated: 2018-01-12. Review status: criteria provided, single submitter. Criteria: ICSL Variant Classification Criteria 13 December 2019. Collection method: clinical testing. Allele origin: germline.

Clinical Genomics, Uppaluri K&H Personalized Medicine Clinic
Classification: Benign for Maturity-onset diabetes of the young. Review status: criteria provided, single submitter. Criteria: K & H Uppaluri Personalized Medicine Clinic Variant Classification & Assertion Criteria_Updated V.1. Collection method: research. Allele origin: unknown. Inheritance: Autosomal dominant inheritance.
Comment: Potent mutations in HNF4A are associated with poor insulin secretion in response to hyperglycemia. Associated with MODY1. Patients initially respond well to sulfonylureas but eventually become insulin dependent. However, more evidence is required to ascertain the role of this particular variant rs773868595 in MODY, yet.

Literature cited by the submitters: DOI 10.1159/000334532 (cited by Clinical Genomics, Uppaluri K&H Personalized Medicine Clinic); PubMed 18268044 (cited by Clinical Genomics, Uppaluri K&H Personalized Medicine Clinic); PubMed 17563455 (cited by Clinical Genomics, Uppaluri K&H Personalized Medicine Clinic); PubMed 32583173 (cited by Clinical Genomics, Uppaluri K&H Personalized Medicine Clinic); PubMed 35052457 (cited by Clinical Genomics, Uppaluri K&H Personalized Medicine Clinic); PubMed 35118593 (cited by Clinical Genomics, Uppaluri K&H Personalized Medicine Clinic).